The following is an entry in ClinVar:

NM_000018.4(ACADVL):c.1605+7G>A

Gene: ACADVL (acyl-CoA dehydrogenase very long chain; plus strand). Cytogenetic location: 17p13.1.
Variant type: single nucleotide variant.
Coding change: c.1605+7G>A on transcript NM_000018.4 (MANE Select); 7 bases into the intron after coding-DNA position 1605, G replaced by A.
Molecular consequence: intron variant.
Genome position (GRCh38, 1-based): chr17:7,224,400, G>A. VCF-style: chr17-7224400-G-A. GRCh37 (hg19) VCF-style: chr17-7127719-G-A.
Other names: c.1674+7G>A (NM_001270447.2); c.1377+7G>A (NM_001270448.2); c.1539+7G>A (NM_001033859.3).
Identifiers: ClinVar variation 761732 (VCV000761732.53), dbSNP rs572010910, ClinGen allele CA8338169.
Genomic context (GRCh38, chr17:7,224,400, plus strand): 5'-GGCCTGAGTCTCAGCGGACTTGTCCACCCGGAGTTGAGTCGGAGTGGCGAGCTGGTAAGT[G>A]GCCAGGGGTCCAGGAGAGCCTGCATCAGGGACTGCAGCCGATGGCCCCTCTGAGCCCCGC-3'

ClinVar aggregate classification (germline): Conflicting classifications of pathogenicity. Review status: criteria provided, conflicting classifications (1 of 4 stars). 5 submissions from 5 submitters: Uncertain significance (2); Benign (1); Likely benign (1). 1 of the submissions does not count toward it. Last evaluated 2026-04-01.

Conditions:
Very long chain acyl-CoA dehydrogenase deficiency (ACADVLD). Also called: Very Long-Chain Acyl-Coenzyme A Dehydrogenase Deficiency; VLCAD Deficiency. Identifiers: Orphanet 26793, MedGen C3887523, MONDO:0008723, OMIM 201475.

Allele frequency attached by ClinVar (database versions not stated): gnomAD 0.00003; TOPMed 0.00008; 1000 Genomes Project 30x 0.00031; 1000 Genomes Project 0.00040.
gnomAD v4.1: 260 of 1,613,732 alleles (0.016%); highest among the groups gnomAD compares: South Asian, 0.22%; no homozygotes.

Submissions (5):

CeGaT Center for Human Genetics Tuebingen
Classification: Uncertain significance. Last evaluated: 2026-04-01. Review status: criteria provided, single submitter. Criteria: CeGaT Center For Human Genetics Tuebingen Variant Classification Criteria Version 2. Collection method: clinical testing. Allele origin: germline. Affected: yes. Observed: 2 variant alleles.
Comment: ACADVL: PM2:Supporting, BP4

Labcorp Genetics (formerly Invitae), Labcorp
Classification: Benign for Very long chain acyl-CoA dehydrogenase deficiency. Last evaluated: 2026-01-15. Review status: criteria provided, single submitter. Criteria: Invitae Variant Classification Sherloc (09022015). Collection method: clinical testing. Allele origin: germline.

Blueprint Genetics
Classification: Likely benign. Last evaluated: 2024-11-22. Review status: criteria provided, single submitter. Criteria: ACMG Guidelines, 2015. Collection method: clinical testing. Allele origin: germline.

Wong Mito Lab, Molecular and Human Genetics, Baylor College of Medicine
Classification: Uncertain significance for Very long chain acyl-CoA dehydrogenase deficiency. Last evaluated: 2019-11-01. Review status: criteria provided, single submitter. Criteria: ACMG Guidelines, 2015. Collection method: clinical testing. Allele origin: germline.
Comment: The NM_000018.3:c.1605+7G>A (NP_000009.1:p.?) [GRCH38: NC_000017.11:g.7224400G>A] variant in ACADVL gene is interpretated to be Uncertain Significance based on ACMG guidelines (PMID: 25741868). This variant has been reported. This variant dose not meet any evidence codes reported in the ACMG guidelines.

Natera, Inc.
Classification: Uncertain significance for Very long chain acyl-CoA dehydrogenase deficiency. Last evaluated: 2020-01-24. Review status: no assertion criteria provided. Collection method: clinical testing. Allele origin: germline. Not counted in ClinVar's aggregate classification.